The following is an entry in ClinVar:

ClinVar aggregate classification (germline): Likely benign. Review status: criteria provided, multiple submitters, no conflicts (2 of 4 stars). 2 submissions from 2 submitters: Likely benign (2). Last evaluated 2026-07-01.

Allele frequency attached by ClinVar (database versions not stated): gnomAD 0.00001; gnomAD exomes 0.00002; ExAC 0.00003; TOPMed 0.00005; ESP Exome Variant Server 0.00008.
gnomAD v4.1: 7 of 1,613,066 alleles (0.00043%); highest among the groups gnomAD compares: African/African-American, 0.0027%; no homozygotes.

Submissions (2):

CeGaT Center for Human Genetics Tuebingen
Classification: Likely benign. Last evaluated: 2026-07-01. Review status: criteria provided, single submitter. Criteria: CeGaT Center For Human Genetics Tuebingen Variant Classification Criteria Version 2. Collection method: clinical testing. Allele origin: germline. Affected: yes. Observed: 1 variant allele.
Comment: YWHAG: BP4, BP7

Labcorp Genetics (formerly Invitae), Labcorp
Classification: Likely benign. Last evaluated: 2023-10-10. Review status: criteria provided, single submitter. Criteria: Invitae Variant Classification Sherloc (09022015). Collection method: clinical testing. Allele origin: germline.

NM_012479.4(YWHAG):c.702G>A (p.Thr234=)

Gene: YWHAG (tyrosine 3-monooxygenase/tryptophan 5-monooxygenase activation protein gamma; minus strand). Cytogenetic location: 7q11.23.
Variant type: single nucleotide variant.
Coding change: c.702G>A on transcript NM_012479.4 (MANE Select); coding-DNA position 702, G replaced by A.
Protein change: p.Thr234=; no amino-acid change (threonine 234 retained).
Molecular consequence: synonymous variant.
Genome position (GRCh38, 1-based): chr7:76,329,619, C>T on the plus strand (G>A on the coding strand, the complement: YWHAG is on the minus strand). VCF-style: chr7-76329619-C-T. GRCh37 (hg19) VCF-style: chr7-75958936-C-T.
Identifiers: ClinVar variation 1560520 (VCV001560520.9), dbSNP rs377321607, ClinGen allele CA4306489.